The following is an entry in ClinVar:

ClinVar aggregate classification (germline): Likely pathogenic (1 of 4 stars; one submission).

Conditions:
Intellectual disability-severe speech delay-mild dysmorphism syndrome (IDDLA). Also called: Intellectual developmental disorder with language impairment AND with or without autistic features; Mental retardation with language impairment and autistic features; FOXP1 Syndrome. Identifiers: Orphanet 391372, MedGen C4013764, MONDO:0013352, OMIM 613670.

Submission:

3billion
Classification: Likely pathogenic for Intellectual disability-severe speech delay-mild dysmorphism syndrome. Last evaluated: 2024-11-26. Review status: criteria provided, single submitter. Criteria: ACMG Guidelines, 2015. Collection method: clinical testing. Allele origin: germline. Affected: yes.
Comment: The variant is not observed in the gnomAD v4.1.0 dataset. Predicted Consequence/Location: Frameshift: predicted to result in a loss or disruption of normal protein function through nonsense-mediated decay (NMD) or protein truncation. Multiple pathogenic variants are reported downstream of the variant. Therefore, this variant is classified as Likely pathogenic according to the recommendation of ACMG/AMP guideline.

NM_001349338.3(FOXP1):c.1687del (p.His563fs)

Gene: FOXP1 (forkhead box P1; minus strand). Cytogenetic location: 3p13.
Variant type: Deletion.
Coding change: c.1687del on transcript NM_001349338.3 (MANE Select); coding-DNA position 1687, one base deleted (C; older notation c.1687delC).
Protein change: p.His563fs; shifts the reading frame from histidine 563.
Molecular consequence: frameshift variant. On other transcripts: non-coding transcript variant (2).
Genome position (GRCh38, 1-based): chr3:70,970,771, G deleted on the plus strand (C on the coding strand, the reverse complement: FOXP1 is on the minus strand); the first of 2 consecutive G bases (chr3:70,970,771-70,970,772); deleting either gives the same sequence. VCF-style (leftmost placement, unchanged base first): chr3-70970770-TG-T. GRCh37 (hg19) VCF-style: chr3-71019921-TG-T.
Other names: c.1684del, p.His562fs (NM_001244808.3, NM_001349341.3); c.1735del, p.His579fs (NM_001244810.2); c.1459del, p.His487fs (NM_001244812.3); c.1387del, p.His463fs (NM_001244813.3, NM_001244815.2, NM_001349342.3); c.1687del, p.His563fs (NM_001244814.3, NM_001244816.2, NM_001349340.3 and 1 more transcripts); c.1384del, p.His462fs (NM_001349337.2, NM_001349343.3, NM_001349344.3 and 1 more transcripts); short protein forms H462fs, H463fs, H487fs, H562fs, H563fs, H579fs.
Identifiers: ClinVar variation 4292379 (VCV004292379.1).